The following is an entry in ClinVar:

NM_014014.5(SNRNP200):c.5660C>T (p.Pro1887Leu)

Gene: SNRNP200 (small nuclear ribonucleoprotein U5 subunit 200; minus strand). Cytogenetic location: 2q11.2.
Variant type: single nucleotide variant.
Coding change: c.5660C>T on transcript NM_014014.5 (MANE Select); coding-DNA position 5660, C replaced by T.
Protein change: p.Pro1887Leu; replaces proline 1887 with leucine.
Molecular consequence: missense variant.
Genome position (GRCh38, 1-based): chr2:96,277,901, G>A on the plus strand (C>T on the coding strand, the complement: SNRNP200 is on the minus strand). VCF-style: chr2-96277901-G-A. GRCh37 (hg19) VCF-style: chr2-96943639-G-A.
Other names: c.5660C>T (NM_014014.4); short protein forms P1887L.
Identifiers: ClinVar variation 1002835 (VCV001002835.8), dbSNP rs752668483, ClinGen allele CA1777916.

ClinVar aggregate classification (germline): Uncertain significance. Review status: criteria provided, multiple submitters, no conflicts (2 of 4 stars). 3 submissions from 3 submitters: Uncertain significance (3). Last evaluated 2026-08-23.

Conditions:
Inborn genetic diseases. Identifiers: MedGen C0950123, MeSH D030342.

Allele frequency attached by ClinVar (database versions not stated): ExAC 0.00001; gnomAD 0.00001; TOPMed below 0.00001; gnomAD exomes below 0.00001.
gnomAD v4.1: 8 of 1,614,094 alleles (0.0005%); highest among the groups gnomAD compares: African/African-American, 0.0027%; no homozygotes.

Submissions (3):

Ambry Genetics
Classification: Uncertain significance for Inborn genetic diseases. Last evaluated: 2026-08-23. Review status: criteria provided, single submitter. Criteria: Ambry Variant Classification Scheme 2023. Collection method: clinical testing. Allele origin: germline.

Labcorp Genetics (formerly Invitae), Labcorp
Classification: Uncertain significance. Last evaluated: 2024-02-23. Review status: criteria provided, single submitter. Criteria: Invitae Variant Classification Sherloc (09022015). Collection method: clinical testing. Allele origin: germline.
Comment: This sequence change replaces proline, which is neutral and non-polar, with leucine, which is neutral and non-polar, at codon 1887 of the SNRNP200 protein (p.Pro1887Leu). This variant is present in population databases (rs752668483, gnomAD 0.0009%). This variant has not been reported in the literature in individuals affected with SNRNP200-related conditions. ClinVar contains an entry for this variant (Variation ID: 1002835). Advanced modeling of protein sequence and biophysical properties (such as structural, functional, and spatial information, amino acid conservation, physicochemical variation, residue mobility, and thermodynamic stability) performed at Invitae indicates that this missense variant is expected to disrupt SNRNP200 protein function with a positive predictive value of 80%. In summary, the available evidence is currently insufficient to determine the role of this variant in disease. Therefore, it has been classified as a Variant of Uncertain Significance.

Blueprint Genetics
Classification: Uncertain significance. Last evaluated: 2021-09-26. Review status: criteria provided, single submitter. Criteria: ACMG Guidelines, 2015. Collection method: clinical testing. Allele origin: germline.